The following is an entry in ClinVar:

NM_000051.4(ATM):c.8305_8317del (p.Trp2769fs)

Genes: ATM (ATM serine/threonine kinase; plus strand), C11orf65 (chromosome 11 open reading frame 65; minus strand). Cytogenetic location: 11q22.3.
Variant type: Deletion.
Coding change: c.8305_8317del on transcript NM_000051.4 (MANE Select); coding-DNA positions 8305 to 8317, 13 bases deleted (TGGTGCACAGGAA).
Protein change: p.Trp2769fs; shifts the reading frame from tryptophan 2769.
Molecular consequence: frameshift variant. On other transcripts: intron variant (2).
Genome position (GRCh38, 1-based): chr11:108,343,258-108,343,270, TGGTGCACAGGAA deleted; deleting any 13 consecutive bases within chr11:108,343,255-108,343,270 gives the same sequence; the c. name uses the placement nearest the transcript's 3' end. VCF-style (leftmost placement, unchanged base first): chr11-108343254-TGAATGGTGCACAG-T. GRCh37 (hg19) VCF-style: chr11-108213981-TGAATGGTGCACAG-T.
Other names: c.8305_8317del, p.Trp2769fs (NM_001351834.2); c.641-34196_641-34184del (NM_001330368.2); c.695-7975_695-7963del (NM_001351110.2); short protein forms W2769fs.
Identifiers: ClinVar variation 185616 (VCV000185616.15), dbSNP rs786202318, ClinGen allele CA192423.

ClinVar aggregate classification (germline): Pathogenic/Likely pathogenic. Review status: criteria provided, multiple submitters, no conflicts (2 of 4 stars). 6 submissions from 6 submitters: Pathogenic (5); Likely pathogenic (1). Last evaluated 2025-12-10.

Conditions:
Hereditary cancer-predisposing syndrome. Also called: Hereditary Cancer Syndrome; Tumor predisposition; Neoplastic Syndromes, Hereditary; Hereditary neoplastic syndrome. Identifiers: Orphanet 140162, MedGen C0027672, MeSH D009386, MONDO:0015356.
Familial cancer of breast. Also called: hereditary breast carcinoma; BREAST CANCER, FAMILIAL; Hereditary breast cancer. Identifiers: Orphanet 227535, MedGen C0346153, MONDO:0016419, OMIM 114480. Disease mechanism: loss of function.
Ataxia-telangiectasia syndrome (AT). Also called: ATAXIA-TELANGIECTASIA, COMPLEMENTATION GROUP A; ATAXIA-TELANGIECTASIA, FRESNO VARIANT; Ataxia-telangiectasia; Ataxia-telangiectasia, complementation group E; Cerebello-oculocutaneous telangiectasia; Immunodeficiency with ataxia telangiectasia. Identifiers: Orphanet 100, MedGen C0004135, MONDO:0008840, OMIM 208900.

Submissions (6):

Ambry Genetics
Classification: Pathogenic for Hereditary cancer-predisposing syndrome. Last evaluated: 2025-12-10. Review status: criteria provided, single submitter. Criteria: Ambry Variant Classification Scheme 2023. Collection method: clinical testing. Allele origin: germline.
Comment: The c.8305_8317del13 pathogenic mutation, located in coding exon 56 of the ATM gene, results from a deletion of 13 nucleotides at nucleotide positions 8305 to 8317, causing a translational frameshift with a predicted alternate stop codon (p.W2769Lfs*33). This variant is considered to be rare based on population cohorts in the Genome Aggregation Database (gnomAD). This alteration is expected to result in loss of function by premature protein truncation or nonsense-mediated mRNA decay. As such, this alteration is interpreted as a disease-causing mutation.

Myriad Genetics, Inc.
Classification: Pathogenic for Familial cancer of breast. Last evaluated: 2024-04-09. Review status: criteria provided, single submitter. Criteria: Myriad Autosomal Dominant, Autosomal Recessive and X-Linked Classification Criteria (2023). Collection method: clinical testing. Allele origin: unknown.
Comment: This variant is considered pathogenic. This variant creates a frameshift predicted to result in premature protein truncation.

Color Diagnostics, LLC DBA Color Health
Classification: Pathogenic for Hereditary cancer-predisposing syndrome. Last evaluated: 2023-10-31. Review status: criteria provided, single submitter. Criteria: ACMG Guidelines, 2015. Collection method: clinical testing. Allele origin: germline.
Comment: This variant deletes 13 nucleotides in exon 57/63 of the ATM gene, creating a frameshift and premature translation stop signal. This variant is expected to result in an absent or non-functional protein product. To our knowledge, this variant has not been reported in individuals affected with ATM-related disorders in the literature. This variant has not been identified in the general population by the Genome Aggregation Database (gnomAD). Loss of ATM function is a known mechanism of disease. Based on the available evidence, this variant is classified as Pathogenic.

Baylor Genetics
Classification: Likely pathogenic for Familial cancer of breast. Last evaluated: 2023-03-14. Review status: criteria provided, single submitter. Criteria: ACMG Guidelines, 2015. Collection method: clinical testing. Allele origin: unknown.

Labcorp Genetics (formerly Invitae), Labcorp
Classification: Pathogenic for Ataxia-telangiectasia syndrome. Last evaluated: 2018-02-22. Review status: criteria provided, single submitter. Criteria: Invitae Variant Classification Sherloc (09022015). Collection method: clinical testing. Allele origin: germline.
Comment: This sequence change creates a premature translational stop signal (p.Trp2769Leufs*33) in the ATM gene. It is expected to result in an absent or disrupted protein product. This variant is not present in population databases (ExAC no frequency). This variant has not been reported in the literature in individuals with ATM-related disease. ClinVar contains an entry for this variant (Variation ID: 185616). Loss-of-function variants in ATM are known to be pathogenic (PMID: 23807571, 25614872). For these reasons, this variant has been classified as Pathogenic.

GeneDx
Classification: Pathogenic. Last evaluated: 2015-07-31. Review status: criteria provided, single submitter. Criteria: GeneDx Variant Classification (06012015). Collection method: clinical testing. Allele origin: germline. Affected: yes.
Comment: This deletion of 13 nucleotides in ATM is denoted c.8305_8317del13 at the cDNA level and p.Trp2769LeufsX33 (W2769LfsX33) at the protein level. The surrounding sequence is TGAA[del13]CTGT. The deletion causes a frameshift, which changes a Tryptophan to a Leucine at codon 2769, and creates a premature stop codon at position 33 of the new reading frame. Although this variant has not, to our knowledge, been reported in the literature, it is predicted to cause loss of normal protein function through either protein truncation or nonsense-mediated mRNA decay. we consider this variant to be pathogenic. The presence of

Literature cited by the submitters: PubMed 23807571 (cited by Labcorp Genetics (formerly Invitae), Labcorp); PubMed 25614872 (cited by Labcorp Genetics (formerly Invitae), Labcorp).